The following is an entry in ClinVar:

ClinVar aggregate classification (germline): Likely pathogenic (1 of 4 stars; one submission).

Conditions:
Wiskott-Aldrich syndrome (WAS). Also called: WISKOTT-ALDRICH SYNDROME 1; Wiskott-aldrich syndrome, somatic; ALDRICH SYNDROME; IMMUNODEFICIENCY 2. Identifiers: Orphanet 906, MedGen C0043194, MONDO:0010518, OMIM 301000.

Submission:

Women's Health and Genetics/Laboratory Corporation of America, LabCorp
Classification: Likely pathogenic for Wiskott-Aldrich syndrome. Last evaluated: 2017-05-01. Review status: criteria provided, single submitter. Criteria: LabCorp Variant Classification Summary - May 2015. Collection method: clinical testing. Allele origin: germline.
Comment: Variant summary: The WAS c.553C>T (p.Gln185X) variant results in a premature termination codon, predicted to cause a truncated or absent WAS protein due to nonsense mediated decay, which are commonly known mechanisms for disease. Truncations downstream of this position have been classified as pathogenic by our laboratory (e.g.c.1271delG/p.Gly424fsX21, c.1271dupG/p.Leu425fsX70). One in silico tool predicts a damaging outcome for this variant. One reputable database classified this variant as pathogenic. Taken together, this variant is classified as likely pathogenic.

NM_000377.3(WAS):c.553C>T (p.Gln185Ter)

Gene: WAS (WASP actin nucleation promoting factor; plus strand). Cytogenetic location: Xp11.23.
Variant type: single nucleotide variant.
Coding change: c.553C>T on transcript NM_000377.3 (MANE Select); coding-DNA position 553, C replaced by T.
Protein change: p.Gln185Ter; replaces glutamine 185 with a stop codon.
Molecular consequence: nonsense.
Genome position (GRCh38, 1-based): chrX:48,686,128, C>T. VCF-style: chrX-48686128-C-T. GRCh37 (hg19) VCF-style: chrX-48544517-C-T.
Other names: short protein forms Q185*.
Identifiers: ClinVar variation 495848 (VCV000495848.1), dbSNP rs1557006672, ClinGen allele CA412869529.